The following is an entry in ClinVar:

ClinVar aggregate classification (germline): Uncertain significance (1 of 4 stars; one submission).

Allele frequency attached by ClinVar (database versions not stated): gnomAD exomes below 0.00001 and 0.00001; gnomAD 0.00003 and 0.00004; TOPMed 0.00004; ESP Exome Variant Server 0.00008.
gnomAD v4.1: 10 of 1,613,448 alleles (0.00062%); highest among the groups gnomAD compares: African/African-American, 0.011%; no homozygotes.

Submission:

Labcorp Genetics (formerly Invitae), Labcorp
Classification: Uncertain significance. Last evaluated: 2022-07-05. Review status: criteria provided, single submitter. Criteria: Invitae Variant Classification Sherloc (09022015). Collection method: clinical testing. Allele origin: germline.
Comment: This variant has not been reported in the literature in individuals affected with MPDZ-related conditions. In summary, the available evidence is currently insufficient to determine the role of this variant in disease. Therefore, it has been classified as a Variant of Uncertain Significance. Algorithms developed to predict the effect of missense changes on protein structure and function (SIFT, PolyPhen-2, Align-GVGD) all suggest that this variant is likely to be tolerated. ClinVar contains an entry for this variant (Variation ID: 1479819). This variant is present in population databases (rs370771519, gnomAD 0.008%). This sequence change replaces proline, which is neutral and non-polar, with serine, which is neutral and polar, at codon 43 of the MPDZ protein (p.Pro43Ser).

NM_001378778.1(MPDZ):c.127C>T (p.Pro43Ser)

Gene: MPDZ (multiple PDZ domain crumbs cell polarity complex component; minus strand). Cytogenetic location: 9p23.
Variant type: single nucleotide variant.
Coding change: c.127C>T on transcript NM_001378778.1 (MANE Select); coding-DNA position 127, C replaced by T.
Protein change: p.Pro43Ser; replaces proline 43 with serine.
Molecular consequence: missense variant.
Genome position (GRCh38, 1-based): chr9:13,247,691, G>A on the plus strand (C>T on the coding strand, the complement: MPDZ is on the minus strand). VCF-style: chr9-13247691-G-A. GRCh37 (hg19) VCF-style: chr9-13247690-G-A.
Other names: c.127C>T, p.Pro43Ser (NM_001261406.2, NM_001261407.2, NM_001330637.2 and 14 more transcripts); short protein forms P43S.
Identifiers: ClinVar variation 1479819 (VCV001479819.4), dbSNP rs370771519, ClinGen allele CA189995582.
Genomic context (GRCh38, chr9:13,247,691, plus strand): 5'-CTACCTGGTCTTTCAGCTGCTGTACAGAAGTCTGAAGGCTCAGAATCTGACTGAAGAGAG[G>A]GCTCTGCAGGACTGACTTCAGAAGGCTCAGTTTGTCTTCATTTGCTACATCCCCACGTTC-3'
Protein context (NP_001365707.1, residues 33-53): LSLLKSVLQS[Pro43Ser]LFSQILSLQT